The following is an entry in ClinVar:

ClinVar aggregate classification (germline): Uncertain significance (1 of 4 stars; one submission).

gnomAD v4.1: 1 of 1,613,982 alleles (0.000062%); highest among the groups gnomAD compares: Non-Finnish European, 0.000085%; no homozygotes.

Submission:

GeneDx
Classification: Uncertain significance. Last evaluated: 2026-04-10. Review status: criteria provided, single submitter. Criteria: GeneDx Variant Classification Process June 2021. Collection method: clinical testing. Allele origin: germline.
Comment: Not observed at significant frequency in large population cohorts (gnomAD); In silico analysis suggests that this missense variant does not alter protein structure/function; Has not been previously published as pathogenic or benign to our knowledge

NM_000081.4(LYST):c.2632C>G (p.Leu878Val)

Gene: LYST (lysosomal trafficking regulator; minus strand). Cytogenetic location: 1q42.3.
Variant type: single nucleotide variant.
Coding change: c.2632C>G on transcript NM_000081.4 (MANE Select); coding-DNA position 2632, C replaced by G.
Protein change: p.Leu878Val; replaces leucine 878 with valine.
Molecular consequence: missense variant.
Genome position (GRCh38, 1-based): chr1:235,806,504, G>C on the plus strand (C>G on the coding strand, the complement: LYST is on the minus strand). VCF-style: chr1-235806504-G-C. GRCh37 (hg19) VCF-style: chr1-235969804-G-C.
Other names: c.2632C>G, p.Leu878Val (NM_001301365.1); short protein forms L878V.
Identifiers: ClinVar variation 5018451 (VCV005018451.1).